The following is an entry in ClinVar:

NM_000383.4(AIRE):c.1175T>C (p.Leu392Pro)

Gene: AIRE (autoimmune regulator; plus strand). Cytogenetic location: 21q22.3.
Variant type: single nucleotide variant.
Coding change: c.1175T>C on transcript NM_000383.4 (MANE Select); coding-DNA position 1175, T replaced by C.
Protein change: p.Leu392Pro; replaces leucine 392 with proline.
Molecular consequence: missense variant.
Genome position (GRCh38, 1-based): chr21:44,293,072, T>C. VCF-style: chr21-44293072-T-C. GRCh37 (hg19) VCF-style: chr21-45712955-T-C.
Other names: short protein forms L392P.
Identifiers: ClinVar variation 2915592 (VCV002915592.3), dbSNP rs554132699, ClinGen allele CA10051975.

ClinVar aggregate classification (germline): Uncertain significance (1 of 4 stars; one submission).

Conditions:
Polyglandular autoimmune syndrome, type 1 (APS1). Also called: Autoimmune polyendocrinopathy syndrome , type I, with or without reversible metaphyseal dysplasia; HYPOADRENOCORTICISM WITH HYPOPARATHYROIDISM AND SUPERFICIAL MONILIASIS; PGA I; Autoimmune polyendocrinopathy syndrome, type I; AUTOIMMUNE POLYENDOCRINE SYNDROME, TYPE I, WITH OR WITHOUT REVERSIBLE METAPHYSEAL DYSPLASIA; APS I. Identifiers: Orphanet 3453, MedGen C0085859, MONDO:0009411, OMIM 240300.

Allele frequency attached by ClinVar (database versions not stated): gnomAD 0.00001; gnomAD exomes 0.00002; TOPMed 0.00002; ExAC 0.00005; 1000 Genomes Project 30x 0.00016; 1000 Genomes Project 0.00020.
gnomAD v4.1: 16 of 1,612,364 alleles (0.00099%); highest among the groups gnomAD compares: Admixed American, 0.023%; no homozygotes.

Submission:

Labcorp Genetics (formerly Invitae), Labcorp
Classification: Uncertain significance for Polyglandular autoimmune syndrome, type 1. Last evaluated: 2023-10-23. Review status: criteria provided, single submitter. Criteria: Invitae Variant Classification Sherloc (09022015). Collection method: clinical testing. Allele origin: germline.
Comment: This sequence change replaces leucine, which is neutral and non-polar, with proline, which is neutral and non-polar, at codon 392 of the AIRE protein (p.Leu392Pro). This variant is present in population databases (rs554132699, gnomAD 0.04%). This variant has not been reported in the literature in individuals affected with AIRE-related conditions. Advanced modeling of protein sequence and biophysical properties (such as structural, functional, and spatial information, amino acid conservation, physicochemical variation, residue mobility, and thermodynamic stability) performed at Invitae indicates that this missense variant is not expected to disrupt AIRE protein function. In summary, the available evidence is currently insufficient to determine the role of this variant in disease. Therefore, it has been classified as a Variant of Uncertain Significance.